The following is an entry in ClinVar:

ClinVar aggregate classification (germline): Pathogenic (1 of 4 stars; one submission).

Conditions:
Hereditary cancer-predisposing syndrome. Also called: Neoplastic Syndromes, Hereditary; Tumor predisposition; Hereditary Cancer Syndrome; Hereditary neoplastic syndrome. Identifiers: Orphanet 140162, MedGen C0027672, MeSH D009386, MONDO:0015356.

Submission:

Ambry Genetics
Classification: Pathogenic for Hereditary cancer-predisposing syndrome. Last evaluated: 2025-12-15. Review status: criteria provided, single submitter. Criteria: Ambry Variant Classification Scheme 2023. Collection method: clinical testing. Allele origin: germline.
Comment: The c.3506delC pathogenic mutation, located in coding exon 6 of the MSH6 gene, results from a deletion of one nucleotide at nucleotide position 3506, causing a translational frameshift with a predicted alternate stop codon (p.P1169Qfs*15). This variant is considered to be rare based on population cohorts in the Genome Aggregation Database (gnomAD). This alteration is expected to result in loss of function by premature protein truncation or nonsense-mediated mRNA decay. As such, this alteration is interpreted as a disease-causing mutation.

NM_000179.3(MSH6):c.3506del (p.Pro1169fs)

Gene: MSH6 (mutS homolog 6; plus strand). Cytogenetic location: 2p16.3.
Variant type: Deletion.
Coding change: c.3506del on transcript NM_000179.3 (MANE Select); coding-DNA position 3506, one base deleted (C; older notation c.3506delC).
Protein change: p.Pro1169fs; shifts the reading frame from proline 1169.
Molecular consequence: frameshift variant. On other transcripts: non-coding transcript variant (4).
Genome position (GRCh38, 1-based): chr2:47,804,977, C deleted; the last of 2 consecutive C bases (chr2:47,804,976-47,804,977); deleting either gives the same sequence. VCF-style (leftmost placement, unchanged base first): chr2-47804975-AC-A. GRCh37 (hg19) VCF-style: chr2-48032114-AC-A.
Other names: c.3116del, p.Pro1039fs (NM_001281492.2); c.2600del, p.Pro867fs (NM_001281493.2, NM_001281494.2, NM_001406829.1 and 6 more transcripts); c.3602del, p.Pro1201fs (NM_001406795.1, NM_001406802.1); c.3506del, p.Pro1169fs (NM_001406796.1, NM_001406800.1, NM_001406808.1 and 1 more transcripts); c.3209del, p.Pro1070fs (NM_001406797.1, NM_001406828.1, NM_001406830.1 and 10 more transcripts); c.3332del, p.Pro1111fs (NM_001406798.1); c.2981del, p.Pro994fs (NM_001406799.1, NM_001406806.1, NM_001406807.1); c.287del, p.Pro96fs (NM_001406831.1); and 7 more; short protein forms P1143fs, P1201fs, P1039fs, P1171fs, P867fs, P881fs, P994fs, P1111fs.
Identifiers: ClinVar variation 4843682 (VCV004843682.1).
Genomic context (GRCh38, chr2:47,804,975, plus strand): 5'-CTTATTAGCTGTAATGGCCCAGATGGGTTGTTACGTCCCTGCTGAAGTGTGCAGGCTCAC[AC>A]CAATTGATAGAGTGTTTACTAGACTTGGTGCCTCAGACAGAATAATGTCAGGTGAGTTTT-3'